The following is an entry in ClinVar:

NM_001039958.2(MESP2):c.83G>A (p.Trp28Ter)

Gene: MESP2 (mesoderm posterior bHLH transcription factor 2; plus strand). Cytogenetic location: 15q26.1.
Variant type: single nucleotide variant.
Coding change: c.83G>A on transcript NM_001039958.2 (MANE Select); coding-DNA position 83, G replaced by A.
Protein change: p.Trp28Ter; replaces tryptophan 28 with a stop codon.
Molecular consequence: nonsense.
Genome position (GRCh38, 1-based): chr15:89,776,440, G>A. VCF-style: chr15-89776440-G-A. GRCh37 (hg19) VCF-style: chr15-90319671-G-A.
Other names: short protein forms W28*.
Identifiers: ClinVar variation 2506245 (VCV002506245.2), dbSNP rs2505184685, ClinGen allele CA393768962.

ClinVar aggregate classification (germline): Pathogenic/Likely pathogenic. Review status: criteria provided, multiple submitters, no conflicts (2 of 4 stars). 2 submissions from 2 submitters: Pathogenic (1); Likely pathogenic (1). Last evaluated 2024-05-08.

Conditions:
Spondylocostal dysostosis 2, autosomal recessive (SCDO2). Also called: MESP2-Related Spondylocostal Dysostosis, Autosomal Recessive; Spondylocostal dysostosis type 2. Identifiers: Orphanet 2311, MedGen C1837549, MONDO:0012097, OMIM 608681.

Submissions (2):

Natera, Inc.
Classification: Likely pathogenic for Spondylocostal dysostosis type 2. Last evaluated: 2024-05-08. Review status: criteria provided, single submitter. Criteria: Natera Variant Classification Schema (03/2026). Collection method: clinical testing. Allele origin: germline.
Comment: The c.83G>A variant in MESP2 is a nonsense variant predicted to introduce a stop codon at amino acid 28. This variant is expected to result in nonsense mediated decay, truncation, or a dysfunctional protein product. This variant is rare in the general population with a frequency below the threshold expected for the associated phenotype(s). Given the available evidence, this variant is classified as Likely Pathogenic.

Women's Health and Genetics/Laboratory Corporation of America, LabCorp
Classification: Pathogenic for Spondylocostal dysostosis 2, autosomal recessive. Last evaluated: 2023-05-08. Review status: criteria provided, single submitter. Criteria: LabCorp Variant Classification Summary - May 2015. Collection method: clinical testing. Allele origin: germline.
Comment: Variant summary: MESP2 c.83G>A (p.Trp28X) results in a premature termination codon, predicted to cause a truncation of the encoded protein or absence of the protein due to nonsense mediated decay, which are commonly known mechanisms for disease. The variant was absent in 128832 control chromosomes (gnomAD). The available data on variant occurrences in the general population are insufficient to allow any conclusion about variant significance. To our knowledge, no occurrence of c.83G>A in individuals affected with Spondylocostal Dysostosis 2 and no experimental evidence demonstrating its impact on protein function have been reported. No clinical diagnostic laboratories have submitted clinical-significance assessments for this variant to ClinVar after 2014. Based on the evidence outlined above, the variant was classified as pathogenic.